The following is an entry in ClinVar:

NM_004082.5(DCTN1):c.3045A>G (p.Thr1015=)

Gene: DCTN1 (dynactin subunit 1; minus strand). Cytogenetic location: 2p13.1.
Variant type: single nucleotide variant.
Coding change: c.3045A>G on transcript NM_004082.5 (MANE Select); coding-DNA position 3045, A replaced by G.
Protein change: p.Thr1015=; no amino-acid change (threonine 1015 retained).
Molecular consequence: synonymous variant. On other transcripts: non-coding transcript variant (1).
Genome position (GRCh38, 1-based): chr2:74,365,226, T>C on the plus strand (A>G on the coding strand, the complement: DCTN1 is on the minus strand). VCF-style: chr2-74365226-T-C. GRCh37 (hg19) VCF-style: chr2-74592353-T-C.
Other names: p.Thr1015=; c.3024A>G, p.Thr1008= (NM_001190837.2); c.2994A>G, p.Thr998= (NM_001378991.1); c.2976A>G, p.Thr992= (NM_001378992.1); c.2643A>G, p.Thr881= (NM_023019.4, NM_001135041.3); c.2985A>G, p.Thr995= (NM_001135040.3); c.2934A>G, p.Thr978= (NM_001190836.2).
Identifiers: ClinVar variation 2077316 (VCV002077316.5), dbSNP rs1392963600, ClinGen allele CA426813530.
Genomic context (GRCh38, chr2:74,365,226, plus strand): 5'-CTGCTTTAGTTCTGCCTTCTCTGCCTCCAGCTGGTCGATGTCAGCCTGGAGTGCATCCAT[T>C]GTCTCCTCAAACTCTCTGTGAAAGAGAATCTGGGCTTTGGCAGTGTCCCTTCTCTAAAGC-3'
Protein context (NP_004073.2, residues 1005-1025): LRKKEKEFEE[Thr1015=]MDALQADIDQ

ClinVar aggregate classification (germline): Likely benign. Review status: criteria provided, multiple submitters, no conflicts (2 of 4 stars). 2 submissions from 2 submitters: Likely benign (2). Last evaluated 2025-08-21.

Conditions:
Amyotrophic lateral sclerosis type 1 (ALS1). Also called: AMYOTROPHIC LATERAL SCLEROSIS 1, FAMILIAL. Identifiers: Orphanet 803, MedGen C1862939, MONDO:0007103, OMIM 105400.
Neuronopathy, distal hereditary motor, type 7B. Also called: Distal Hereditary Motor Neuronopathy Type 7B (dHMN7B); HMN VIIB; NEURONOPATHY, DISTAL HEREDITARY MOTOR, AUTOSOMAL DOMINANT 14; NEURONOPATHY, DISTAL HEREDITARY MOTOR, HARDING TYPE VIIB; NEUROPATHY, DISTAL HEREDITARY MOTOR, HARDING TYPE VIIB; NEUROPATHY, DISTAL HEREDITARY MOTOR, WITH VOCAL CORD PARALYSIS, HARDING TYPE VIIB. Identifiers: Orphanet 139589, MedGen C1843315, MONDO:0011879, OMIM 607641.
Perry syndrome. Also called: PARKINSONISM WITH ALVEOLAR HYPOVENTILATION AND MENTAL DEPRESSION. Identifiers: Orphanet 178509, MedGen C1868594, MONDO:0008201, OMIM 168605.

Submissions (2):

Labcorp Genetics (formerly Invitae), Labcorp
Classification: Likely benign for Amyotrophic lateral sclerosis type 1; Neuronopathy, distal hereditary motor, type 7B; Perry syndrome. Last evaluated: 2025-08-21. Review status: criteria provided, single submitter. Criteria: Invitae Variant Classification Sherloc (09022015). Collection method: clinical testing. Allele origin: germline.

Mayo Clinic Laboratories, Mayo Clinic
Classification: Likely benign. Last evaluated: 2025-01-27. Review status: criteria provided, single submitter. Criteria: ACMG Guidelines, 2015. Collection method: clinical testing. Allele origin: germline. Observed: 1 variant allele.
Comment: BP4, BP7